The following is an entry in ClinVar:

ClinVar aggregate classification (germline): Uncertain significance (1 of 4 stars; one submission).

Conditions:
Cardiovascular phenotype. Identifiers: MedGen CN230736.

Submission:

Ambry Genetics
Classification: Uncertain significance for Cardiovascular phenotype. Last evaluated: 2025-11-26. Review status: criteria provided, single submitter. Criteria: Ambry Variant Classification Scheme 2023. Collection method: clinical testing. Allele origin: germline.
Comment: The c.1255_1257delGACinsAAA variant (also known as p.D419K), located in coding exon 19 of the TRDN gene, results from an in-frame deletion of GAC and insertion of AAA at nucleotide positions 1255 to 1257. This results in the substitution of the aspartic acid residue for a lysine residue at codon 419, an amino acid with dissimilar properties. This amino acid position is highly conserved in available vertebrate species. In addition, this variant is predicted to be neutral by in silico analysis (Choi Y et al. PLoS ONE. 2012; 7(10):e46688). Based on the available evidence, the clinical significance of this variant remains unclear.

NM_006073.4(TRDN):c.1255_1257delinsAAA (p.Asp419Lys)

Gene: TRDN (triadin; minus strand). Cytogenetic location: 6q22.31.
Variant type: Indel.
Coding change: c.1255_1257delinsAAA on transcript NM_006073.4 (MANE Select); coding-DNA positions 1255 to 1257, GAC replaced by AAA.
Protein change: p.Asp419Lys; replaces aspartic acid 419 with lysine.
Molecular consequence: missense variant.
Genome position (GRCh38, 1-based): chr6:123,375,621-123,375,623, GTC replaced by TTT on the plus strand (GAC replaced by AAA on the coding strand, the reverse complement: TRDN is on the minus strand). VCF-style: chr6-123375621-GTC-TTT. GRCh37 (hg19) VCF-style: chr6-123696766-GTC-TTT.
Other names: c.1258_1260delinsAAA, p.Asp420Lys (NM_001251987.2); c.1198_1200delinsAAA, p.Asp400Lys (NM_001407315.1); short protein forms D419K, D420K, D400K.
Identifiers: ClinVar variation 4615245 (VCV004615245.1).